The following is an entry in ClinVar:

ClinVar aggregate classification (germline): Benign. Review status: criteria provided, multiple submitters, no conflicts (2 of 4 stars). 2 submissions from 2 submitters: Benign (2). Last evaluated 2020-07-15.

Allele frequency attached by ClinVar (database versions not stated): TOPMed 0.07441; gnomAD 0.07568 and 0.07690; gnomAD exomes 0.07825; 1000 Genomes Project 30x 0.09010; 1000 Genomes Project 0.09405.
gnomAD v4.1: 48,610 of 624,724 alleles (7.8%); highest among the groups gnomAD compares: East Asian, 12%; 2,027 homozygotes.

Submissions (2):

GeneDx
Classification: Benign. Last evaluated: 2020-07-15. Review status: criteria provided, single submitter. Criteria: GeneDx Variant Classification Process June 2021. Collection method: clinical testing. Allele origin: germline. Affected: yes.
Comment: This variant is associated with the following publications: (PMID: 24422887)

Breakthrough Genomics
Classification: Benign. Review status: criteria provided, single submitter. Criteria: ACMG Guidelines, 2015. Collection method: not provided. Allele origin: germline. Inheritance: Unknown mechanism. Affected: yes.

NM_004382.5(CRHR1):c.*212G>A

Genes: CRHR1 (corticotropin releasing hormone receptor 1), LINC02210-CRHR1 (LINC02210-CRHR1 readthrough). Cytogenetic location: 17q21.31.
Variant type: single nucleotide variant.
Coding change: c.*212G>A on transcript NM_004382.5 (MANE Select); 212 bases downstream of the stop codon, G replaced by A.
Molecular consequence: 3 prime UTR variant.
Genome position (GRCh38, 1-based): chr17:45,834,976, G>A. VCF-style: chr17-45834976-G-A. GRCh37 (hg19) VCF-style: chr17-43912342-G-A.
Other names: c.*212G>A (NM_001256299.3, NM_001145146.2, NM_001145147.2 and 3 more transcripts); c.*163G>A (NM_001303016.1).
Identifiers: ClinVar variation 1220555 (VCV001220555.4), dbSNP rs28364032, ClinGen allele CA14494804.